The following is an entry in ClinVar:

ClinVar aggregate classification (germline): Likely benign (0 of 4 stars; one submission).

Conditions:
CUL4B-related disorder. Also called: CUL4B-related condition.

gnomAD v4.1: 13 of 1,204,970 alleles (0.0011%); highest among the groups gnomAD compares: Non-Finnish European, 0.0013%; no homozygotes.

Submission:

PreventionGenetics, part of Exact Sciences
Classification: Likely benign for CUL4B-related condition. Last evaluated: 2024-09-13. Review status: no assertion criteria provided. Collection method: clinical testing. Allele origin: germline.
Comment: This variant is classified as likely benign based on ACMG/AMP sequence variant interpretation guidelines (Richards et al. 2015 PMID: 25741868, with internal and published modifications).

NM_001079872.2(CUL4B):c.1501T>C (p.Leu501=)

Gene: CUL4B (cullin 4B; minus strand). Cytogenetic location: Xq24.
Variant type: single nucleotide variant.
Coding change: c.1501T>C on transcript NM_001079872.2 (MANE Select); coding-DNA position 1501, T replaced by C.
Protein change: p.Leu501=; no amino-acid change (leucine 501 retained).
Molecular consequence: synonymous variant.
Genome position (GRCh38, 1-based): chrX:120,540,505, A>G on the plus strand (T>C on the coding strand, the complement: CUL4B is on the minus strand). VCF-style: chrX-120540505-A-G. GRCh37 (hg19) VCF-style: chrX-119674360-A-G.
Other names: c.1516T>C, p.Leu506= (NM_001330624.2); c.967T>C, p.Leu323= (NM_001369145.1); c.1555T>C, p.Leu519= (NM_003588.4).
Identifiers: ClinVar variation 3356439 (VCV003356439.1).